The following is an entry in ClinVar:

NM_001943.5(DSG2):c.1597G>A (p.Val533Ile)

Gene: DSG2 (desmoglein 2; plus strand). Cytogenetic location: 18q12.1.
Variant type: single nucleotide variant.
Coding change: c.1597G>A on transcript NM_001943.5 (MANE Select); coding-DNA position 1597, G replaced by A.
Protein change: p.Val533Ile; replaces valine 533 with isoleucine.
Molecular consequence: missense variant.
Genome position (GRCh38, 1-based): chr18:31,536,375, G>A. VCF-style: chr18-31536375-G-A. GRCh37 (hg19) VCF-style: chr18-29116338-G-A.
Other names: p.Val533Ile; c.1597G>A (LRG_397t1); short protein forms V533I.
Identifiers: ClinVar variation 246649 (VCV000246649.29), dbSNP rs199761749, ClinGen allele CA042947.

ClinVar aggregate classification (germline): Conflicting classifications of pathogenicity. Review status: criteria provided, conflicting classifications (1 of 4 stars). 10 submissions from 10 submitters: Uncertain significance (1); Benign (1); Likely benign (6). 2 of the submissions do not count toward it. Last evaluated 2026-01-18.

Conditions:
Cardiovascular phenotype. Identifiers: MedGen CN230736.
Cardiomyopathy (CMYO). Also called: Cardiomyopathies. Identifiers: Orphanet 167848, MedGen C0878544, MONDO:0004994, HP:0001638. Inheritance: Various modes of inheritance.
Arrhythmogenic right ventricular dysplasia 10. Also called: Arrhythmogenic right ventricular dysplasia/cardiomyopathy, type 10; Arrhythmogenic Right Ventricular Dysplasia/Cardiomyopathy10; ARRHYTHMOGENIC RIGHT VENTRICULAR DYSPLASIA, FAMILIAL, 10. Identifiers: MedGen C1857777, MONDO:0012434, OMIM 610193.

Allele frequency attached by ClinVar (database versions not stated): ESP Exome Variant Server 0.00008; gnomAD 0.00010 and 0.00013; TOPMed 0.00012; 1000 Genomes Project 30x 0.00016; gnomAD exomes 0.00019 and 0.00029; 1000 Genomes Project 0.00020; ExAC 0.00032.
gnomAD v4.1: 304 of 1,614,110 alleles (0.019%); highest among the groups gnomAD compares: East Asian, 0.4%; 2 homozygotes.

Submissions (10):

Labcorp Genetics (formerly Invitae), Labcorp
Classification: Likely benign for Arrhythmogenic right ventricular dysplasia 10. Last evaluated: 2026-01-18. Review status: criteria provided, single submitter. Criteria: Invitae Variant Classification Sherloc (09022015). Collection method: clinical testing. Allele origin: germline.

Mayo Clinic Laboratories, Mayo Clinic
Classification: Likely benign. Last evaluated: 2025-02-05. Review status: criteria provided, single submitter. Criteria: ACMG Guidelines, 2015. Collection method: clinical testing. Allele origin: germline. Observed: 1 variant allele.
Comment: BS1, BP4_moderate

Blueprint Genetics
Classification: Likely benign. Last evaluated: 2024-11-04. Review status: criteria provided, single submitter. Criteria: ACMG Guidelines, 2015. Collection method: clinical testing. Allele origin: germline.

Color Diagnostics, LLC DBA Color Health
Classification: Benign for Cardiomyopathy. Last evaluated: 2024-08-27. Review status: criteria provided, single submitter. Criteria: ACMG Guidelines, 2015. Collection method: clinical testing. Allele origin: germline.

Women's Health and Genetics/Laboratory Corporation of America, LabCorp
Classification: Likely benign. Last evaluated: 2019-11-18. Review status: criteria provided, single submitter. Criteria: LabCorp Variant Classification Summary - May 2015. Collection method: clinical testing. Allele origin: germline.
Comment: Variant summary: DSG2 c.1597G>A (p.Val533Ile) results in a conservative amino acid change in the encoded protein sequence. Five of five in-silico tools predict a benign effect of the variant on protein function. The variant allele was found at a frequency of 0.00029 in 249320 control chromosomes, predominantly at a frequency of 0.0023 within the East Asian subpopulation in the gnomAD database. The observed variant frequency within East Asian control individuals in the gnomAD database is approximately 230-fold the estimated maximal expected allele frequency for a pathogenic variant in DSG2 causing Arrhythmia phenotype (1e-05), strongly suggesting that the variant is a benign polymorphism found primarily in populations of East Asian origin. c.1597G>A has been reported in the literature in individuals affected with arrhythmogenic right ventricular cadiomyopathy and dilated cardiomyopathy without strong evidence for causality (Shestak_2014, Wada_2017, Dai_2019) . These reports do not provide unequivocal conclusions about association of the variant with Arrhythmia. To our knowledge, no experimental evidence demonstrating an impact on protein function has been reported. Three ClinVar submitters (evaluation after 2014) have cited the variant as benign/likely benign. Based on the evidence outlined above, the variant was classified as likely benign.

GeneDx
Classification: Likely benign. Last evaluated: 2018-07-12. Review status: criteria provided, single submitter. Criteria: GeneDx Variant Classification Process June 2021. Collection method: clinical testing. Allele origin: germline. Affected: yes.
Comment: This variant is associated with the following publications: (PMID: 29178656)

Illumina Laboratory Services, Illumina
Classification: Uncertain significance for Arrhythmogenic right ventricular dysplasia 10. Last evaluated: 2018-01-13. Review status: criteria provided, single submitter. Criteria: ICSL Variant Classification Criteria 13 December 2019. Collection method: clinical testing. Allele origin: germline.

Ambry Genetics
Classification: Likely benign for Cardiovascular phenotype. Last evaluated: 2017-08-04. Review status: criteria provided, single submitter. Criteria: Ambry Variant Classification Scheme 2023. Collection method: clinical testing. Allele origin: germline.

Clinical Genetics DNA and cytogenetics Diagnostics Lab, Erasmus MC, Erasmus Medical Center
Classification: Likely benign. Review status: no assertion criteria provided. Collection method: clinical testing. Allele origin: germline. Affected: yes. Study: VKGL Data-share Consensus. Not counted in ClinVar's aggregate classification.

Genome Diagnostics Laboratory, University Medical Center Utrecht
Classification: Likely benign. Review status: no assertion criteria provided. Collection method: clinical testing. Allele origin: germline. Affected: yes. Study: VKGL Data-share Consensus. Not counted in ClinVar's aggregate classification.

Literature cited by the submitters: PubMed 30993396 (cited by Women's Health and Genetics/Laboratory Corporation of America, LabCorp); PubMed 29178656 (cited by Women's Health and Genetics/Laboratory Corporation of America, LabCorp).